The following is an entry in ClinVar:

NR_003051.3(RMRP):n.268del

Gene: RMRP (RNA component of mitochondrial RNA processing endoribonuclease; minus strand). Cytogenetic location: 9p13.3.
Variant type: Deletion.
Genome position: GRCh38 VCF-style: chr9-35657745-CA-C. GRCh37 (hg19) VCF-style: chr9-35657742-CA-C.
Identifiers: ClinVar variation 779623 (VCV000779623.8), dbSNP rs549047941, ClinGen allele CA5045803.

ClinVar aggregate classification (germline): Likely benign. Review status: reviewed by expert panel (3 of 4 stars). 2 submissions from 2 submitters: Likely benign (1). 1 of the submissions does not count toward it. Last evaluated 2025-09-25.

Conditions:
Anauxetic dysplasia. Identifiers: Orphanet 93347, MedGen C1846796, MONDO:0011773.
Metaphyseal chondrodysplasia, McKusick type (CHH). Also called: Cartilage-hair hypoplasia; Cartilage-Hair Hypoplasia (CHH). Identifiers: Orphanet 175, MedGen C0220748, MONDO:0009595, OMIM 250250.

Submissions (2):

ClinGen Severe Combined Immunodeficiency Variant Curation Expert Panel, ClinGen
Classification: Likely benign for Metaphyseal chondrodysplasia, McKusick type. Last evaluated: 2025-09-25. Review status: reviewed by expert panel. Criteria: ClinGen SCID ACMG Specifications RMRP V1.2.0. Collection method: curation. Allele origin: germline. Inheritance: Autosomal recessive inheritance.
Comment: The NC_000009.12:g.35657751del variant is a single adenine deletion in an A-rich repetitive region located at the 3' end of the transcribed region of the RMPR gene. This variant is also known as NR_003051.3(RMRP):n.268del or g.35657746del. The Grpmax Filtering allele frequency of this variant is 0.002376 in gnomAD v4.1.0, which is higher than the SCID-VCEP's threshold for BS1_Strong (>0.00089) (BS1_Strong). This variant is known as g.35657745-CA-C in gnomAD. In summary, this variant is classified as likely benign for Autosomal Recessive Cartilage Hair Hypoplasia based on the ACMG/AMP criteria applied, as specified by the ClinGen SCID VCEP: BS1_Strong (SCID VCEP specifications version 1).

Labcorp Genetics (formerly Invitae), Labcorp
Classification: Benign for Anauxetic dysplasia. Last evaluated: 2026-01-28. Review status: criteria provided, single submitter. Criteria: Invitae Variant Classification Sherloc (09022015). Collection method: clinical testing. Allele origin: germline. Not counted in ClinVar's aggregate classification.